The following is an entry in ClinVar:

NM_000321.3(RB1):c.1216-6C>T

Gene: RB1 (RB transcriptional corepressor 1; plus strand). Cytogenetic location: 13q14.2.
Variant type: single nucleotide variant.
Coding change: c.1216-6C>T on transcript NM_000321.3 (MANE Select); 6 bases into the intron before coding-DNA position 1216, C replaced by T.
Molecular consequence: intron variant.
Genome position (GRCh38, 1-based): chr13:48,376,912, C>T. VCF-style: chr13-48376912-C-T. GRCh37 (hg19) VCF-style: chr13-48951048-C-T.
Identifiers: ClinVar variation 527941 (VCV000527941.14), dbSNP rs1453083586, ClinGen allele CA609577332.

ClinVar aggregate classification (germline): Likely benign. Review status: criteria provided, multiple submitters, no conflicts (2 of 4 stars). 4 submissions from 4 submitters: Likely benign (4). Last evaluated 2026-06-18.

Conditions:
Retinoblastoma (RB1). Also called: RETINOBLASTOMA, SOMATIC. Identifiers: Orphanet 790, MedGen C0035335, MeSH D012175, MONDO:0008380, OMIM 180200, HP:0009919. Disease mechanism: loss of function. Inheritance: Both sporadic and heritable forms are tested..

Allele frequency attached by ClinVar (database versions not stated): gnomAD 0.00001; gnomAD exomes 0.00001; TOPMed 0.00001.
gnomAD v4.1: 12 of 1,613,174 alleles (0.00074%); highest among the groups gnomAD compares: African/African-American, 0.0013%; no homozygotes.

Submissions (4):

Myriad Genetics, Inc.
Classification: Likely benign for Retinoblastoma. Last evaluated: 2026-06-18. Review status: criteria provided, single submitter. Criteria: Myriad Autosomal Dominant, Autosomal Recessive and X-Linked Classification Criteria (2023). Collection method: clinical testing. Allele origin: unknown.
Comment: This variant is considered likely benign. This variant is intronic and is not expected to impact mRNA splicing.

Labcorp Genetics (formerly Invitae), Labcorp
Classification: Likely benign for Retinoblastoma. Last evaluated: 2026-01-05. Review status: criteria provided, single submitter. Criteria: Invitae Variant Classification Sherloc (09022015). Collection method: clinical testing. Allele origin: germline.

All of Us Research Program, National Institutes of Health
Classification: Likely benign for Retinoblastoma. Last evaluated: 2024-01-08. Review status: criteria provided, single submitter. Criteria: ACMG Guidelines, 2015. Collection method: clinical testing. Allele origin: germline. Inheritance: Autosomal dominant inheritance. Observed: 4 variant alleles, 4 heterozygotes.
Comment: This study involves interpretation of variants in research participants for the purpose of population health screening. Participant phenotype was not available at the time of variant classification. Additional details can be found in publication PMID: 35346344, PMCID: PMC8962531

Color Diagnostics, LLC DBA Color Health
Classification: Likely benign for Retinoblastoma. Last evaluated: 2023-04-18. Review status: criteria provided, single submitter. Criteria: ACMG Guidelines, 2015. Collection method: clinical testing. Allele origin: germline.